The following is an entry in ClinVar:

NM_000051.4(ATM):c.7942C>T (p.Pro2648Ser)

Genes: ATM (ATM serine/threonine kinase; plus strand), C11orf65 (chromosome 11 open reading frame 65; minus strand). Cytogenetic location: 11q22.3.
Variant type: single nucleotide variant.
Coding change: c.7942C>T on transcript NM_000051.4 (MANE Select); coding-DNA position 7942, C replaced by T.
Protein change: p.Pro2648Ser; replaces proline 2648 with serine.
Molecular consequence: missense variant. On other transcripts: intron variant (2).
Genome position (GRCh38, 1-based): chr11:108,333,900, C>T. VCF-style: chr11-108333900-C-T. GRCh37 (hg19) VCF-style: chr11-108204627-C-T.
Other names: c.7942C>T, p.Pro2648Ser (NM_001351834.2); c.641-24829G>A (NM_001330368.2); c.*38+1320G>A (NM_001351110.2); short protein forms P2648S.
Identifiers: ClinVar variation 950115 (VCV000950115.10), dbSNP rs878853547, ClinGen allele CA382561680.
Genomic context (GRCh38, chr11:108,333,900, plus strand): 5'-GCTGTTCCTCAGTTTGTCACTAAAATCTCTTCATTTTTAAATACAGAAGGCATAAATATT[C>T]CAGCAGACCAGCCAATTACTAAACTTAAGAATTTAGAAGATGTTGTTGTCCCTACTATGG-3'
Protein context (NP_000042.3, residues 2638-2658): WKTQRKGINI[Pro2648Ser]ADQPITKLKN

ClinVar aggregate classification (germline): Uncertain significance. Review status: criteria provided, multiple submitters, no conflicts (2 of 4 stars). 2 submissions from 2 submitters: Uncertain significance (2). Last evaluated 2025-03-17.

Conditions:
Hereditary cancer-predisposing syndrome. Also called: Tumor predisposition; Neoplastic Syndromes, Hereditary; Hereditary neoplastic syndrome; Hereditary Cancer Syndrome. Identifiers: Orphanet 140162, MedGen C0027672, MeSH D009386, MONDO:0015356.
Ataxia-telangiectasia syndrome (AT). Also called: Ataxia-telangiectasia, complementation group D; AT, COMPLEMENTATION GROUP C; ATAXIA-TELANGIECTASIA, COMPLEMENTATION GROUP A; ATAXIA-TELANGIECTASIA, FRESNO VARIANT; Ataxia-telangiectasia; Ataxia telangiectasia (A-T). Identifiers: Orphanet 100, MedGen C0004135, MONDO:0008840, OMIM 208900.

Allele frequency attached by ClinVar (database versions not stated): gnomAD exomes 0.00001.
gnomAD v4.1: 12 of 1,608,546 alleles (0.00075%); highest among the groups gnomAD compares: Non-Finnish European, 0.001%; no homozygotes.

Submissions (2):

Color Diagnostics, LLC DBA Color Health
Classification: Uncertain significance for Hereditary cancer-predisposing syndrome. Last evaluated: 2025-03-17. Review status: criteria provided, single submitter. Criteria: ACMG Guidelines, 2015. Collection method: clinical testing. Allele origin: germline.
Comment: This missense variant replaces proline with serine at codon 2648 of the ATM protein. Computational prediction suggests that this variant may not impact protein structure and function. To our knowledge, functional studies have not been reported for this variant. This variant has not been reported in individuals affected with ATM-related disorders in the literature. This variant has not been identified in the general population by the Genome Aggregation Database (gnomAD). The available evidence is insufficient to determine the role of this variant in disease conclusively. Therefore, this variant is classified as a Variant of Uncertain Significance.

Labcorp Genetics (formerly Invitae), Labcorp
Classification: Uncertain significance for Ataxia-telangiectasia syndrome. Last evaluated: 2025-02-25. Review status: criteria provided, single submitter. Criteria: Invitae Variant Classification Sherloc (09022015). Collection method: clinical testing. Allele origin: germline.
Comment: This sequence change replaces proline, which is neutral and non-polar, with serine, which is neutral and polar, at codon 2648 of the ATM protein (p.Pro2648Ser). This variant is not present in population databases (gnomAD no frequency). This variant has not been reported in the literature in individuals affected with ATM-related conditions. ClinVar contains an entry for this variant (Variation ID: 950115). Invitae Evidence Modeling of protein sequence and biophysical properties (such as structural, functional, and spatial information, amino acid conservation, physicochemical variation, residue mobility, and thermodynamic stability) has been performed for this missense variant. However, the output from this modeling did not meet the statistical confidence thresholds required to predict the impact of this variant on ATM protein function. In summary, the available evidence is currently insufficient to determine the role of this variant in disease. Therefore, it has been classified as a Variant of Uncertain Significance.